The following is an entry in ClinVar:

ClinVar aggregate classification (germline): Uncertain significance (1 of 4 stars; one submission).

Submission:

Women's Health and Genetics/Laboratory Corporation of America, LabCorp
Classification: Uncertain significance. Last evaluated: 2023-05-09. Review status: criteria provided, single submitter. Criteria: LabCorp Variant Classification Summary - May 2015. Collection method: clinical testing. Allele origin: germline.
Comment: Variant summary: PDE6A c.1066-9delT alters a nucleotide located close to a canonical splice site and therefore could affect mRNA splicing, leading to a significantly altered protein sequence. 4/4 computational tools predict no significant impact on normal splicing. However, these predictions have yet to be confirmed by functional studies. The variant was absent in 251476 control chromosomes. The available data on variant occurrences in the general population are insufficient to allow any conclusion about variant significance. c.1066-9delT has been reported in the literature in individuals affected with Retinal Dystrophy (Chen_2018). This report does not provide unequivocal conclusions about association of the variant with Retinitis pigmentosa 43. To our knowledge, no experimental evidence demonstrating an impact on protein function has been reported. The following publications have been ascertained in the context of this evaluation (PMID: 30289068). No clinical diagnostic laboratories have submitted clinical-significance assessments for this variant to ClinVar after 2014. Based on the evidence outlined above, the variant was classified as uncertain significance.

Literature cited by the submitters: PubMed 30289068.

NM_000440.3(PDE6A):c.1066-9del

Gene: PDE6A (phosphodiesterase 6A; minus strand). Cytogenetic location: 5q32.
Variant type: Deletion.
Coding change: c.1066-9del on transcript NM_000440.3 (MANE Select); 9 bases into the intron before coding-DNA position 1066, one base deleted (T; older notation c.1066-9delT).
Molecular consequence: intron variant.
Genome position (GRCh38, 1-based): chr5:149,903,704, A deleted on the plus strand (T on the coding strand, the reverse complement: PDE6A is on the minus strand). VCF-style (leftmost placement, unchanged base first): chr5-149903703-CA-C. GRCh37 (hg19) VCF-style: chr5-149283266-CA-C.
Other names: c.823-9del (NM_001410788.1).
Identifiers: ClinVar variation 2506197 (VCV002506197.1), dbSNP rs2480597224, ClinGen allele CA2580614769.